The following is an entry in ClinVar:

ClinVar aggregate classification (germline): Likely benign (0 of 4 stars; one submission).

Conditions:
NTRK2-related disorder. Also called: NTRK2-related condition.

Submission:

PreventionGenetics, part of Exact Sciences
Classification: Likely benign for NTRK2-related condition. Last evaluated: 2023-11-30. Review status: no assertion criteria provided. Collection method: clinical testing. Allele origin: germline.
Comment: This variant is classified as likely benign based on ACMG/AMP sequence variant interpretation guidelines (Richards et al. 2015 PMID: 25741868, with internal and published modifications).

NM_006180.6(NTRK2):c.2145G>A (p.Arg715=)

Gene: NTRK2 (neurotrophic receptor tyrosine kinase 2; plus strand). Cytogenetic location: 9q21.33.
Variant type: single nucleotide variant.
Coding change: c.2145G>A on transcript NM_006180.6 (MANE Select); coding-DNA position 2145, G replaced by A.
Protein change: p.Arg715=; no amino-acid change (arginine 715 retained).
Molecular consequence: synonymous variant.
Genome position (GRCh38, 1-based): chr9:84,955,490, G>A. VCF-style: chr9-84955490-G-A. GRCh37 (hg19) VCF-style: chr9-87570405-G-A.
Other names: c.2097G>A, p.Arg699= (NM_001018064.3, NM_001369532.1, NM_001369533.1); c.2061G>A, p.Arg687= (NM_001369534.1); c.1629G>A, p.Arg543= (NM_001369535.1); c.1677G>A, p.Arg559= (NM_001369536.1).
Identifiers: ClinVar variation 3348209 (VCV003348209.1).
Genomic context (GRCh38, chr9:84,955,490, plus strand): 5'-CAGGAACTGCCTGGTCGGGGAGAACTTGCTGGTGAAAATCGGGGACTTTGGGATGTCCCG[G>A]GACGTGTACAGCACTGACTACTACAGGGTGAGTAGCTGTGCAGATCAGAGACCCCAGGGA-3'
Protein context (NP_006171.2, residues 705-725): LVKIGDFGMS[Arg715=]DVYSTDYYRV